The following is an entry in ClinVar:

ClinVar aggregate classification (germline): Likely benign. Review status: criteria provided, single submitter (1 of 4 stars). 2 submissions from 2 submitters: Likely benign (1). 1 of the submissions does not count toward it. Last evaluated 2024-04-05.

Conditions:
BLOC1S6-related disorder. Also called: BLOC1S6-related condition.

Allele frequency attached by ClinVar (database versions not stated): gnomAD 0.00015; TOPMed 0.00015; gnomAD exomes 0.00021.
gnomAD v4.1: 132 of 700,670 alleles (0.019%); highest among the groups gnomAD compares: Non-Finnish European, 0.032%; no homozygotes.

Submissions (2):

Blueprint Genetics
Classification: Likely benign. Last evaluated: 2024-04-05. Review status: criteria provided, single submitter. Criteria: ACMG Guidelines, 2015. Collection method: clinical testing. Allele origin: germline.

PreventionGenetics, part of Exact Sciences
Classification: Likely benign for BLOC1S6-related condition. Last evaluated: 2024-01-16. Review status: no assertion criteria provided. Collection method: clinical testing. Allele origin: germline. Not counted in ClinVar's aggregate classification.
Comment: This variant is classified as likely benign based on ACMG/AMP sequence variant interpretation guidelines (Richards et al. 2015 PMID: 25741868, with internal and published modifications).

NM_012388.4(BLOC1S6):c.82+279A>G

Gene: BLOC1S6 (biogenesis of lysosomal organelles complex 1 subunit 6; plus strand). Cytogenetic location: 15q21.1.
Variant type: single nucleotide variant.
Coding change: c.82+279A>G on transcript NM_012388.4 (MANE Select); 279 bases into the intron after coding-DNA position 82, A replaced by G.
Molecular consequence: intron variant. On other transcripts: non-coding transcript variant (3).
Genome position (GRCh38, 1-based): chr15:45,587,804, A>G. VCF-style: chr15-45587804-A-G. GRCh37 (hg19) VCF-style: chr15-45880002-A-G.
Other names: c.97+8A>G (NM_001311255.1, NM_001311256.1).
Identifiers: ClinVar variation 3055147 (VCV003055147.3), dbSNP rs772841770, ClinGen allele CA270011848.